The following is an entry in ClinVar:

ClinVar aggregate classification (germline): Uncertain significance (1 of 4 stars; one submission).

gnomAD v4.1: 1 of 1,613,790 alleles (0.000062%); highest among the groups gnomAD compares: Admixed American, 0.0017%; no homozygotes.

Submission:

Labcorp Genetics (formerly Invitae), Labcorp
Classification: Uncertain significance. Last evaluated: 2022-08-17. Review status: criteria provided, single submitter. Criteria: Invitae Variant Classification Sherloc (09022015). Collection method: clinical testing. Allele origin: germline.
Comment: This sequence change replaces lysine, which is basic and polar, with threonine, which is neutral and polar, at codon 221 of the TBCD protein (p.Lys221Thr). This variant is present in population databases (no rsID available, gnomAD 0.003%). This variant has not been reported in the literature in individuals affected with TBCD-related conditions. Algorithms developed to predict the effect of missense changes on protein structure and function output the following: SIFT: "Tolerated"; PolyPhen-2: "Benign"; Align-GVGD: "Class C0". The threonine amino acid residue is found in multiple mammalian species, which suggests that this missense change does not adversely affect protein function. In summary, the available evidence is currently insufficient to determine the role of this variant in disease. Therefore, it has been classified as a Variant of Uncertain Significance.

NM_005993.5(TBCD):c.662A>C (p.Lys221Thr)

Gene: TBCD (tubulin folding cofactor D). Cytogenetic location: 17q25.3.
Variant type: single nucleotide variant.
Coding change: c.662A>C on transcript NM_005993.5 (MANE Select); coding-DNA position 662, A replaced by C.
Protein change: p.Lys221Thr; replaces lysine 221 with threonine.
Molecular consequence: missense variant.
Genome position (GRCh38, 1-based): chr17:82,781,612, A>C. VCF-style: chr17-82781612-A-C. GRCh37 (hg19) VCF-style: chr17-80739488-A-C.
Other names: c.611A>C, p.Lys204Thr (NM_001411101.1); c.662A>C, p.Lys221Thr (NM_001411102.1); short protein forms K221T, K204T.
Identifiers: ClinVar variation 2003057 (VCV002003057.3), dbSNP rs1326425201, ClinGen allele CA401631551.